The following is an entry in ClinVar:

NM_000843.4(GRM6):c.1308_1309inv (p.Asp437Asn)

Genes: ZNF454 (zinc finger protein 454; plus strand), GRM6 (glutamate metabotropic receptor 6; minus strand). Cytogenetic location: 5q35.3.
Variant type: Inversion.
Coding change: c.1308_1309inv on transcript NM_000843.4 (MANE Select).
Protein change: p.Asp437Asn; replaces aspartic acid 437 with asparagine.
Molecular consequence: missense variant.
Genome position: GRCh38 VCF-style: chr5-178988980-CA-TG. GRCh37 (hg19) VCF-style: chr5-178415981-CA-TG.
Other names: short protein forms D437N.
Identifiers: ClinVar variation 1949549 (VCV001949549.5), ClinGen allele CA2580074086.
Genomic context (GRCh38, chr5:178,988,980, plus strand): 5'-CAGGCACCCACTCACCATTGAAGCGGACAGCTCGAATGTACTGCAGAAGCATCCGCCCAT[CA>TG]GTGGGTTCCATCGCCGGGCACAGGCCTGTGTGCCCAGGGCAGAGCGCCTGGTGCATGCTG-3'
Protein context (NP_000834.2, residues 427-447): TGLCPAMEPT[Asp437Asn]GRMLLQYIRA

ClinVar aggregate classification (germline): Uncertain significance (1 of 4 stars; one submission).

Submission:

Labcorp Genetics (formerly Invitae), Labcorp
Classification: Uncertain significance. Last evaluated: 2023-08-10. Review status: criteria provided, single submitter. Criteria: Invitae Variant Classification Sherloc (09022015). Collection method: clinical testing. Allele origin: germline.
Comment: In summary, the available evidence is currently insufficient to determine the role of this variant in disease. Therefore, it has been classified as a Variant of Uncertain Significance. Experimental studies and prediction algorithms are not available or were not evaluated, and the functional significance of this variant is currently unknown. ClinVar contains an entry for this variant (Variation ID: 1949549). This variant has not been reported in the literature in individuals affected with GRM6-related conditions. Information on the frequency of this variant in the gnomAD database is not available, as this variant may be reported differently in the database. This sequence change replaces aspartic acid, which is acidic and polar, with asparagine, which is neutral and polar, at codon 437 of the GRM6 protein (p.Asp437Asn).